The following is an entry in ClinVar:

ClinVar aggregate classification (germline): Conflicting classifications of pathogenicity. Review status: criteria provided, conflicting classifications (1 of 4 stars). 4 submissions from 4 submitters: Uncertain significance (3); Likely benign (1). Last evaluated 2026-02-11.

Conditions:
Cardiovascular phenotype. Identifiers: MedGen CN230736.
Danon disease. Also called: Glycogen Storage Disease Type IIb; ANTOPOL DISEASE; PSEUDOGLYCOGENOSIS II; GSD IIb; LYSOSOMAL GLYCOGEN STORAGE DISEASE WITHOUT ACID MALTASE DEFICIENCY. Identifiers: Orphanet 34587, MedGen C0878677, MONDO:0010281, OMIM 300257.

Allele frequency attached by ClinVar (database versions not stated): gnomAD exomes 0.00002; gnomAD 0.00004; 1000 Genomes Project 30x 0.00021; 1000 Genomes Project 0.00026; ExAC 0.00001; TOPMed 0.00001.
gnomAD v4.1: 23 of 1,211,084 alleles (0.0019%); highest among the groups gnomAD compares: South Asian, 0.025%; no homozygotes.

Submissions (4):

Ambry Genetics
Classification: Likely benign for Cardiovascular phenotype. Last evaluated: 2026-02-11. Review status: criteria provided, single submitter. Criteria: Ambry Variant Classification Scheme 2023. Collection method: clinical testing. Allele origin: germline.

Labcorp Genetics (formerly Invitae), Labcorp
Classification: Uncertain significance for Danon disease. Last evaluated: 2025-11-17. Review status: criteria provided, single submitter. Criteria: Invitae Variant Classification Sherloc (09022015). Collection method: clinical testing. Allele origin: germline.
Comment: This sequence change replaces proline, which is neutral and non-polar, with leucine, which is neutral and non-polar, at codon 10 of the LAMP2 protein (p.Pro10Leu). This variant is present in population databases (rs769378984, gnomAD 0.005%), including at least one homozygous and/or hemizygous individual. This variant has not been reported in the literature in individuals affected with LAMP2-related conditions. ClinVar contains an entry for this variant (Variation ID: 650063). An algorithm developed to predict the effect of missense changes on protein structure and function (PolyPhen-2) suggests that this variant is likely to be tolerated. In summary, the available evidence is currently insufficient to determine the role of this variant in disease. Therefore, it has been classified as a Variant of Uncertain Significance.

Fulgent Genetics
Classification: Uncertain significance for Danon disease. Last evaluated: 2021-08-24. Review status: criteria provided, single submitter. Criteria: ACMG Guidelines, 2015. Collection method: clinical testing. Allele origin: unknown.

Revvity Omics, Revvity
Classification: Uncertain significance for Danon disease. Last evaluated: 2019-04-10. Review status: criteria provided, single submitter. Criteria: ACMG Guidelines, 2015. Collection method: clinical testing. Allele origin: germline.

NM_002294.3(LAMP2):c.29C>T (p.Pro10Leu)

Gene: LAMP2 (lysosome associated membrane protein 2; minus strand). Cytogenetic location: Xq24.
Variant type: single nucleotide variant.
Coding change: c.29C>T on transcript NM_002294.3 (MANE Select); coding-DNA position 29, C replaced by T.
Protein change: p.Pro10Leu; replaces proline 10 with leucine.
Molecular consequence: missense variant.
Genome position (GRCh38, 1-based): chrX:120,469,141, G>A on the plus strand (C>T on the coding strand, the complement: LAMP2 is on the minus strand). VCF-style: chrX-120469141-G-A. GRCh37 (hg19) VCF-style: chrX-119602996-G-A.
Other names: c.29C>T, p.Pro10Leu (NM_001122606.1, NM_013995.2); short protein forms P10L.
Identifiers: ClinVar variation 650063 (VCV000650063.17), dbSNP rs769378984, ClinGen allele CA10505375.